The following is an entry in ClinVar:

ClinVar aggregate classification (germline): Uncertain significance (1 of 4 stars; one submission).

Submission:

CeGaT Center for Human Genetics Tuebingen
Classification: Uncertain significance. Last evaluated: 2026-04-01. Review status: criteria provided, single submitter. Criteria: CeGaT Center For Human Genetics Tuebingen Variant Classification Criteria Version 2. Collection method: clinical testing. Allele origin: germline. Affected: yes. Observed: 1 variant allele.
Comment: KDM5C: PM2, BP4

NM_004187.5(KDM5C):c.3032A>G (p.Asn1011Ser)

Gene: KDM5C (lysine demethylase 5C; minus strand). Cytogenetic location: Xp11.22.
Variant type: single nucleotide variant.
Coding change: c.3032A>G on transcript NM_004187.5 (MANE Select); coding-DNA position 3032, A replaced by G.
Protein change: p.Asn1011Ser; replaces asparagine 1011 with serine.
Molecular consequence: missense variant. On other transcripts: non-coding transcript variant (3).
Genome position (GRCh38, 1-based): chrX:53,196,004, T>C on the plus strand (A>G on the coding strand, the complement: KDM5C is on the minus strand). VCF-style: chrX-53196004-T-C. GRCh37 (hg19) VCF-style: chrX-53225186-T-C.
Other names: c.2831A>G, p.Asn944Ser (NM_001146702.2); c.3029A>G, p.Asn1010Ser (NM_001282622.3, NM_001353979.2, NM_001353982.2); c.3032A>G, p.Asn1011Ser (NM_001353978.3, NM_001353981.2, NM_001353984.2); short protein forms N1010S, N1011S, N944S.
Identifiers: ClinVar variation 4874679 (VCV004874679.2).